The following is an entry in ClinVar:

NM_000969.5(RPL5):c.614C>G (p.Ala205Gly)

Genes: DIPK1A (divergent protein kinase domain 1A; minus strand), RPL5 (ribosomal protein L5; plus strand). Cytogenetic location: 1p22.1.
Variant type: single nucleotide variant.
Coding change: c.614C>G on transcript NM_000969.5 (MANE Select); coding-DNA position 614, C replaced by G.
Protein change: p.Ala205Gly; replaces alanine 205 with glycine.
Molecular consequence: missense variant. On other transcripts: non-coding transcript variant (1), intron variant (1).
Genome position (GRCh38, 1-based): chr1:92,837,542, C>G. VCF-style: chr1-92837542-C-G. GRCh37 (hg19) VCF-style: chr1-93303099-C-G.
Other names: c.475-4508G>C (NM_001252273.2); short protein forms A205G.
Identifiers: ClinVar variation 2849253 (VCV002849253.3), dbSNP rs1284533624, ClinGen allele CA341242955.

ClinVar aggregate classification (germline): Uncertain significance (1 of 4 stars; one submission).

Conditions:
Diamond-Blackfan anemia. Also called: Blackfan Diamond syndrome; Aregenerative anemia chronic congenital; Red cell aplasia, pure hereditary; Congenital hypoplastic anemia; Aase syndrome. Identifiers: Orphanet 124, MedGen C1260899, MeSH D029503, MONDO:0015253, HP:0004810.

Allele frequency attached by ClinVar (database versions not stated): gnomAD exomes below 0.00001; gnomAD 0.00001; TOPMed below 0.00001.
gnomAD v4.1: 6 of 1,611,990 alleles (0.00037%); highest among the groups gnomAD compares: South Asian, 0.0022%; no homozygotes.

Submission:

Labcorp Genetics (formerly Invitae), Labcorp
Classification: Uncertain significance for Diamond-Blackfan anemia. Last evaluated: 2023-11-15. Review status: criteria provided, single submitter. Criteria: Invitae Variant Classification Sherloc (09022015). Collection method: clinical testing. Allele origin: germline.
Comment: This sequence change replaces alanine, which is neutral and non-polar, with glycine, which is neutral and non-polar, at codon 205 of the RPL5 protein (p.Ala205Gly). This variant is not present in population databases (gnomAD no frequency). This variant has not been reported in the literature in individuals affected with RPL5-related conditions. Advanced modeling of protein sequence and biophysical properties (such as structural, functional, and spatial information, amino acid conservation, physicochemical variation, residue mobility, and thermodynamic stability) performed at Invitae indicates that this missense variant is not expected to disrupt RPL5 protein function with a negative predictive value of 80%. In summary, the available evidence is currently insufficient to determine the role of this variant in disease. Therefore, it has been classified as a Variant of Uncertain Significance.